The following is an entry in ClinVar:

NM_001036.6(RYR3):c.11246-3C>A

Gene: RYR3 (ryanodine receptor 3; plus strand). Cytogenetic location: 15q14.
Variant type: single nucleotide variant.
Coding change: c.11246-3C>A on transcript NM_001036.6 (MANE Select); 3 bases into the intron before coding-DNA position 11246, C replaced by A.
Molecular consequence: intron variant.
Genome position (GRCh38, 1-based): chr15:33,827,196, C>A. VCF-style: chr15-33827196-C-A. GRCh37 (hg19) VCF-style: chr15-34119397-C-A.
Other names: c.11231-3C>A (NM_001243996.4).
Identifiers: ClinVar variation 4980559 (VCV004980559.1).

ClinVar aggregate classification (germline): Likely benign (1 of 4 stars; one submission).

Conditions:
RYR3-related disorder. Also called: RYR3-related condition.

gnomAD v4.1: 36 of 1,551,670 alleles (0.0023%); highest among the groups gnomAD compares: Middle Eastern, 0.13%; no homozygotes.

Submission:

PreventionGenetics, part of Exact Sciences
Classification: Likely benign for RYR3-related condition. Last evaluated: 2025-08-14. Review status: criteria provided, single submitter. Criteria: ACMG Guidelines, 2015. Collection method: clinical testing. Allele origin: germline.
Comment: This variant is classified as likely benign based on ACMG/AMP sequence variant interpretation guidelines (Richards et al. 2015 PMID: 25741868, with internal and published modifications).